The following is an entry in ClinVar:

NM_003126.4(SPTA1):c.1833+1G>A

Gene: SPTA1 (spectrin alpha, erythrocytic 1; minus strand). Cytogenetic location: 1q23.1.
Variant type: single nucleotide variant.
Coding change: c.1833+1G>A on transcript NM_003126.4 (MANE Select); the canonical splice donor site of the intron after coding-DNA position 1833, G replaced by A.
Molecular consequence: splice donor variant.
Genome position (GRCh38, 1-based): chr1:158,669,407, C>T on the plus strand (G>A on the coding strand, the complement: SPTA1 is on the minus strand). VCF-style: chr1-158669407-C-T. GRCh37 (hg19) VCF-style: chr1-158639197-C-T.
Other names: p.?.
Identifiers: ClinVar variation 801565 (VCV000801565.15), dbSNP rs1035389616, ClinGen allele CA31260585.
Genomic context (GRCh38, chr1:158,669,407, plus strand): 5'-CTGTACTTCCAATGAAAGGAACTCCTGATAACTACATCCAGCTCCTGAAAACTCTGCCTA[C>T]CTTGTAATCTTCATCATCTGCCAACTTTTTCTTCTTGTTGATCCAGTTCTTTAGGTCATC-3'

ClinVar aggregate classification (germline): Pathogenic/Likely pathogenic. Review status: criteria provided, multiple submitters, no conflicts (2 of 4 stars). 6 submissions from 6 submitters: Pathogenic (2); Likely pathogenic (4). Last evaluated 2024-12-24.

Conditions:
Pyropoikilocytosis, hereditary. Also called: Pyropoikilocytosis. Identifiers: MedGen C0520739, MONDO:0009948, OMIM 266140, HP:0004839. Disease mechanism: loss of function.
Elliptocytosis 2 (EL2). Also called: ELLIPTOCYTOSIS, RHESUS-UNLINKED TYPE. Identifiers: Orphanet 288, MedGen C1851741, MONDO:0007533, OMIM 130600.
Hereditary spherocytosis type 3. Also called: Spherocytosis type 3; SPTA1-Related Spherocytosis. Identifiers: Orphanet 822, MedGen C2678338, MONDO:0010053, OMIM 270970.

Allele frequency attached by ClinVar (database versions not stated): gnomAD exomes 0.00001.
gnomAD v4.1: 9 of 1,614,098 alleles (0.00056%); highest among the groups gnomAD compares: Non-Finnish European, 0.00076%; no homozygotes.

Submissions (6):

Mayo Clinic Laboratories, Mayo Clinic
Classification: Likely pathogenic. Last evaluated: 2024-12-24. Review status: criteria provided, single submitter. Criteria: ACMG Guidelines, 2015. Collection method: clinical testing. Allele origin: germline. Observed: 5 variant alleles.

Fulgent Genetics
Classification: Likely pathogenic for Elliptocytosis 2; Pyropoikilocytosis, hereditary; Hereditary spherocytosis type 3. Last evaluated: 2024-06-13. Review status: criteria provided, single submitter. Criteria: ACMG Guidelines, 2015. Collection method: clinical testing. Allele origin: germline.

Revvity Omics, Revvity
Classification: Likely pathogenic. Last evaluated: 2024-03-05. Review status: criteria provided, single submitter. Criteria: ACMG Guidelines, 2015. Collection method: clinical testing. Allele origin: germline.

ARUP Laboratories, Molecular Genetics and Genomics, ARUP Laboratories
Classification: Pathogenic. Last evaluated: 2023-11-27. Review status: criteria provided, single submitter. Criteria: ARUP Molecular Germline Variant Investigation Process 2024. Collection method: clinical testing. Allele origin: germline.
Comment: The SPTA1 c.1833+1G>A variant (rs1035389616), to our knowledge, is not reported in the medical literature but is reported in ClinVar (Variation ID: 801565). This variant is also absent from the Genome Aggregation Database (v2.1.1), indicating it is not a common polymorphism. This variant disrupts the canonical splice donor site of intron 14, which is likely to negatively impact gene function. Based on available information, this variant is considered to be pathogenic.

Labcorp Genetics (formerly Invitae), Labcorp
Classification: Likely pathogenic. Last evaluated: 2023-04-09. Review status: criteria provided, single submitter. Criteria: Invitae Variant Classification Sherloc (09022015). Collection method: clinical testing. Allele origin: germline.
Comment: Algorithms developed to predict the effect of sequence changes on RNA splicing suggest that this variant may disrupt the consensus splice site. ClinVar contains an entry for this variant (Variation ID: 801565). This variant has not been reported in the literature in individuals affected with SPTA1-related conditions. This variant is not present in population databases (gnomAD no frequency). This sequence change affects a donor splice site in intron 14 of the SPTA1 gene. It is expected to disrupt RNA splicing. Variants that disrupt the donor or acceptor splice site typically lead to a loss of protein function (PMID: 16199547), and loss-of-function variants in SPTA1 are known to be pathogenic (PMID: 9192783, 18815189, 31333484, 31723846, 32266426). In summary, the currently available evidence indicates that the variant is pathogenic, but additional data are needed to prove that conclusively. Therefore, this variant has been classified as Likely Pathogenic.

Mendelics
Classification: Pathogenic for Pyropoikilocytosis, hereditary. Last evaluated: 2019-05-28. Review status: criteria provided, single submitter. Criteria: Mendelics Assertion Criteria 2017. Collection method: clinical testing. Allele origin: unknown.

Literature cited by the submitters: PubMed 16199547 (cited by Labcorp Genetics (formerly Invitae), Labcorp); PubMed 9192783 (cited by Labcorp Genetics (formerly Invitae), Labcorp); PubMed 18815189 (cited by Labcorp Genetics (formerly Invitae), Labcorp); PubMed 31333484 (cited by Labcorp Genetics (formerly Invitae), Labcorp); PubMed 31723846 (cited by Labcorp Genetics (formerly Invitae), Labcorp); PubMed 32266426 (cited by Labcorp Genetics (formerly Invitae), Labcorp).